The following is an entry in ClinVar:

ClinVar aggregate classification (germline): Likely pathogenic. Review status: criteria provided, multiple submitters, no conflicts (2 of 4 stars). 5 submissions from 5 submitters: Likely pathogenic (4). 1 of the submissions does not count toward it. Last evaluated 2025-03-04.

Conditions:
Autosomal recessive limb-girdle muscular dystrophy. Identifiers: Orphanet 102015, MedGen C2931907, MONDO:0015152.
Autosomal recessive limb-girdle muscular dystrophy type 2C (LGMDR5). Also called: MUSCULAR DYSTROPHY, LIMB-GIRDLE, AUTOSOMAL RECESSIVE 5; MUSCULAR DYSTROPHY, DUCHENNE-LIKE. Identifiers: Orphanet 353, MedGen C0410173, MONDO:0009677, OMIM 253700. Disease mechanism: Affects gamma-sarcoglycan and also disrupts the integrity of the entire sarcoglycan complex..

Allele frequency attached by ClinVar (database versions not stated): TOPMed 0.00001; ESP Exome Variant Server 0.00008; 1000 Genomes Project 30x 0.00016; gnomAD 0.00001; ExAC 0.00002; gnomAD exomes 0.00001; 1000 Genomes Project 0.00020.

Submissions (5):

Center for Genomic Medicine, Rigshospitalet, Copenhagen University Hospital
Classification: Likely pathogenic. Last evaluated: 2025-03-04. Review status: criteria provided, single submitter. Criteria: ACMG Guidelines, 2015. Collection method: clinical testing. Allele origin: germline.

Baylor Genetics
Classification: Likely pathogenic for Autosomal recessive limb-girdle muscular dystrophy type 2C. Last evaluated: 2023-05-05. Review status: criteria provided, single submitter. Criteria: ACMG Guidelines, 2015. Collection method: clinical testing. Allele origin: unknown.

Women's Health and Genetics/Laboratory Corporation of America, LabCorp
Classification: Likely pathogenic for Autosomal recessive limb-girdle muscular dystrophy. Last evaluated: 2023-04-05. Review status: criteria provided, single submitter. Criteria: LabCorp Variant Classification Summary - May 2015. Collection method: clinical testing. Allele origin: germline.
Comment: Variant summary: SGCG c.385+2T>C is located in a canonical splice-site and is predicted to affect mRNA splicing resulting in a significantly altered protein due to either exon skipping, shortening, or inclusion of intronic material. Several computational tools predict a significant impact on normal splicing: Three predict the variant abolishes a canonical 5' splicing donor site and one predicts it weakens the donor site. However, these predictions have yet to be confirmed by functional studies. The variant allele was found at a frequency of 8e-06 in 250798 control chromosomes (gnomAD). c.385+2T>C has been reported in the literature in at least one individual affected with autosomal recessive Limb-Girdle Muscular Dystrophy (Alonso-Perez_2020, Panicucci_2021). These report(s) do not provide unequivocal conclusions about association of the variant with autosomal recessive Limb-Girdle Muscular Dystrophy. To our knowledge, no experimental evidence demonstrating an impact on protein function has been reported. Two clinical diagnostic laboratories have submitted clinical-significance assessments for this variant to ClinVar after 2014 and both classified the variant as likely pathogenic. Based on the evidence outlined above, the variant was classified as likely pathogenic.

Labcorp Genetics (formerly Invitae), Labcorp
Classification: Likely pathogenic for Autosomal recessive limb-girdle muscular dystrophy type 2C. Last evaluated: 2022-06-20. Review status: criteria provided, single submitter. Criteria: Invitae Variant Classification Sherloc (09022015). Collection method: clinical testing. Allele origin: germline.
Comment: Algorithms developed to predict the effect of sequence changes on RNA splicing suggest that this variant may disrupt the consensus splice site. In summary, the currently available evidence indicates that the variant is pathogenic, but additional data are needed to prove that conclusively. Therefore, this variant has been classified as Likely Pathogenic. ClinVar contains an entry for this variant (Variation ID: 655056). Disruption of this splice site has been observed in individual(s) with clinical features of SGCG-related conditions (PMID: 32875335). This variant is present in population databases (rs200206447, gnomAD 0.007%). This sequence change affects a donor splice site in intron 4 of the SGCG gene. It is expected to disrupt RNA splicing. Variants that disrupt the donor or acceptor splice site typically lead to a loss of protein function (PMID: 16199547), and loss-of-function variants in SGCG are known to be pathogenic (PMID: 18285821).

Natera, Inc.
Classification: Likely pathogenic for Limb-girdle muscular dystrophy type 2C. Last evaluated: 2021-09-08. Review status: no assertion criteria provided. Collection method: clinical testing. Allele origin: germline. Not counted in ClinVar's aggregate classification.

Literature cited by the submitters: PubMed 32875335 (cited by 3 submitters); PubMed 34281632 (cited by Women's Health and Genetics/Laboratory Corporation of America, LabCorp); PubMed 16199547 (cited by Labcorp Genetics (formerly Invitae), Labcorp); PubMed 18285821 (cited by Labcorp Genetics (formerly Invitae), Labcorp).

NM_000231.3(SGCG):c.385+2T>C

Gene: SGCG (sarcoglycan gamma; plus strand). Cytogenetic location: 13q12.12.
Variant type: single nucleotide variant.
Coding change: c.385+2T>C on transcript NM_000231.3 (MANE Select); the canonical splice donor site of the intron after coding-DNA position 385, T replaced by C.
Molecular consequence: splice donor variant.
Genome position (GRCh38, 1-based): chr13:23,250,719, T>C. VCF-style: chr13-23250719-T-C. GRCh37 (hg19) VCF-style: chr13-23824858-T-C.
Other names: c.439+2T>C (NM_001378244.1); c.385+2T>C (NM_001378245.1, NM_001378246.1).
Identifiers: ClinVar variation 655056 (VCV000655056.13), dbSNP rs200206447, ClinGen allele CA6909661.